The following is an entry in ClinVar:

NM_016333.4(SRRM2):c.659C>T (p.Ser220Leu)

Gene: SRRM2 (serine/arginine repetitive matrix 2; plus strand). Cytogenetic location: 16p13.3.
Variant type: single nucleotide variant.
Coding change: c.659C>T on transcript NM_016333.4 (MANE Select); coding-DNA position 659, C replaced by T.
Protein change: p.Ser220Leu; replaces serine 220 with leucine.
Molecular consequence: missense variant.
Genome position (GRCh38, 1-based): chr16:2,759,142, C>T. VCF-style: chr16-2759142-C-T. GRCh37 (hg19) VCF-style: chr16-2809143-C-T.
Other names: short protein forms S220L.
Identifiers: ClinVar variation 4528001 (VCV004528001.1).
Genomic context (GRCh38, chr16:2,759,142, plus strand): 5'-GTTTGCTGAATTCAGGCAGAGGTGTTTCTTATGTTTTTTCTTCTCTTTTTTCCAACAGGT[C>T]AGAATCTGAGTCCAAGAAACGTAAGCATAGGTAAGAGCTCTTTAACTCATAGGGGGCGCA-3'
Protein context (NP_057417.3, residues 210-230): KKSSKKKKHR[Ser220Leu]ESESKKRKHR

ClinVar aggregate classification (germline): Uncertain significance (1 of 4 stars; one submission).

Submission:

GeneDx
Classification: Uncertain significance. Last evaluated: 2025-05-08. Review status: criteria provided, single submitter. Criteria: GeneDx Variant Classification Process June 2021. Collection method: clinical testing. Allele origin: germline. Affected: yes.
Comment: Not observed at significant frequency in large population cohorts (gnomAD); In silico analysis supports that this missense variant has a deleterious effect on protein structure/function; Has not been previously published as pathogenic or benign to our knowledge